The following is an entry in ClinVar:

ClinVar aggregate classification (germline): Benign (0 of 4 stars; one submission).

Conditions:
DROSHA-related disorder. Also called: DROSHA-related condition.

Allele frequency attached by ClinVar (database versions not stated): ESP Exome Variant Server 0.00125; TOPMed 0.00146; gnomAD 0.00185; gnomAD exomes 0.00272; 1000 Genomes Project 0.00280; 1000 Genomes Project 30x 0.00281; ExAC 0.00319.
gnomAD v4.1: 4,241 of 1,602,326 alleles (0.26%); highest among the groups gnomAD compares: South Asian, 1.7%; 35 homozygotes.

Submission:

PreventionGenetics, part of Exact Sciences
Classification: Benign for DROSHA-related condition. Last evaluated: 2019-11-13. Review status: no assertion criteria provided. Collection method: clinical testing. Allele origin: germline.
Comment: This variant is classified as benign based on ACMG/AMP sequence variant interpretation guidelines (Richards et al. 2015 PMID: 25741868, with internal and published modifications).

NM_001382508.1(DROSHA):c.2943C>T (p.Ser981=)

Gene: DROSHA (drosha ribonuclease III; minus strand). Cytogenetic location: 5p13.3.
Variant type: single nucleotide variant.
Coding change: c.2943C>T on transcript NM_001382508.1 (MANE Select); coding-DNA position 2943, C replaced by T.
Protein change: p.Ser981=; no amino-acid change (serine 981 retained).
Molecular consequence: synonymous variant.
Genome position (GRCh38, 1-based): chr5:31,435,864, G>A on the plus strand (C>T on the coding strand, the complement: DROSHA is on the minus strand). VCF-style: chr5-31435864-G-A. GRCh37 (hg19) VCF-style: chr5-31435971-G-A.
Other names: c.2832C>T, p.Ser944= (NM_001100412.2); c.2943C>T, p.Ser981= (NM_013235.5).
Identifiers: ClinVar variation 3038764 (VCV003038764.2), dbSNP rs17485810, ClinGen allele CA3217315.